The following is an entry in ClinVar:

ClinVar aggregate classification (germline): Uncertain significance (1 of 4 stars; one submission).

Conditions:
Early-onset Lafora body disease. Also called: Epilepsy, progressive myoclonic, 10. Identifiers: Orphanet 324290, MedGen C4225258, MONDO:0014717, OMIM 616640.

Submission:

Labcorp Genetics (formerly Invitae), Labcorp
Classification: Uncertain significance for Early-onset Lafora body disease. Last evaluated: 2024-06-17. Review status: criteria provided, single submitter. Criteria: Invitae Variant Classification Sherloc (09022015). Collection method: clinical testing. Allele origin: germline.
Comment: This variant, c.1261_1263dup, results in the insertion of 1 amino acid(s) of the PRDM8 protein (p.Gly421dup), but otherwise preserves the integrity of the reading frame. This variant is present in population databases (no rsID available, gnomAD 0.007%). This variant has not been reported in the literature in individuals affected with PRDM8-related conditions. Experimental studies and prediction algorithms are not available or were not evaluated, and the functional significance of this variant is currently unknown. In summary, the available evidence is currently insufficient to determine the role of this variant in disease. Therefore, it has been classified as a Variant of Uncertain Significance.

NM_001099403.2(PRDM8):c.1249GGC[6] (p.Gly421dup)

Gene: PRDM8 (PR/SET domain 8; plus strand). Cytogenetic location: 4q21.21.
Variant type: Microsatellite.
Coding change: c.1249GGC[6] on transcript NM_001099403.2 (MANE Select); six copies in a row of the 3-base unit GGC starting at c.1249; the reference has five copies in a row; one copy, 3 bases duplicated.
Protein change: p.Gly421dup; duplicates glycine 421.
Molecular consequence: inframe insertion.
Genome position (GRCh38, 1-based): chr4:80,202,723-80,202,725, GGC duplicated; duplicating any 3 consecutive bases within chr4:80,202,711-80,202,725 gives the same sequence; the position shown is the placement nearest the transcript's 3' end. VCF-style (leftmost placement, unchanged base first): chr4-80202710-T-TGGC. GRCh37 (hg19) VCF-style: chr4-81123864-T-TGGC.
Other names: c.1249GGC[6], p.Gly421dup (NM_020226.4).
Identifiers: ClinVar variation 1019444 (VCV001019444.8), dbSNP rs1024186691, ClinGen allele CA553082810.